The following is an entry in ClinVar:

ClinVar aggregate classification (germline): Likely benign. Review status: criteria provided, multiple submitters, no conflicts (2 of 4 stars). 3 submissions from 3 submitters: Likely benign (3). Last evaluated 2022-08-01.

Conditions:
Inborn genetic diseases. Identifiers: MedGen C0950123, MeSH D030342.

Allele frequency attached by ClinVar (database versions not stated): ExAC 0.00002; gnomAD exomes 0.00002; gnomAD 0.00016; TOPMed 0.00056; 1000 Genomes Project 0.00060; 1000 Genomes Project 30x 0.00078.
gnomAD v4.1: 54 of 1,614,248 alleles (0.0033%); highest among the groups gnomAD compares: Admixed American, 0.065%; no homozygotes.

Submissions (3):

CeGaT Center for Human Genetics Tuebingen
Classification: Likely benign. Last evaluated: 2022-08-01. Review status: criteria provided, single submitter. Criteria: CeGaT Center For Human Genetics Tuebingen Variant Classification Criteria Version 2. Collection method: clinical testing. Allele origin: germline. Affected: yes. Observed: 1 variant allele.
Comment: LINS1: BP4, BP7

Labcorp Genetics (formerly Invitae), Labcorp
Classification: Likely benign. Last evaluated: 2019-12-31. Review status: criteria provided, single submitter. Criteria: Invitae Variant Classification Sherloc (09022015). Collection method: clinical testing. Allele origin: germline.

Ambry Genetics
Classification: Likely benign for Inborn genetic diseases. Last evaluated: 2017-09-14. Review status: criteria provided, single submitter. Criteria: Ambry Variant Classification Scheme 2023. Collection method: clinical testing. Allele origin: germline.

NM_001040616.3(LINS1):c.987T>C (p.His329=)

Gene: LINS1 (lines homolog 1; minus strand). Cytogenetic location: 15q26.3.
Variant type: single nucleotide variant.
Coding change: c.987T>C on transcript NM_001040616.3 (MANE Select); coding-DNA position 987, T replaced by C.
Protein change: p.His329=; no amino-acid change (histidine 329 retained).
Molecular consequence: synonymous variant. On other transcripts: non-coding transcript variant (3).
Genome position (GRCh38, 1-based): chr15:100,573,886, A>G on the plus strand (T>C on the coding strand, the complement: LINS1 is on the minus strand). VCF-style: chr15-100573886-A-G. GRCh37 (hg19) VCF-style: chr15-101114091-A-G.
Other names: c.240T>C, p.His80= (NM_001352507.2); c.942T>C, p.His314= (NM_001352508.2).
Identifiers: ClinVar variation 747496 (VCV000747496.30), dbSNP rs192389870, ClinGen allele CA7759560.